The following is an entry in ClinVar:

ClinVar aggregate classification (germline): Uncertain significance (1 of 4 stars; one submission).

Conditions:
Hereditary sensory and autonomic neuropathy type 7. Also called: HSAN VII; Neuropathy, hereditary sensory and autonomic, type VII. Identifiers: Orphanet 391397, MedGen C3809882, MONDO:0014244, OMIM 615548.
Familial episodic pain syndrome with predominantly lower limb involvement. Also called: Episodic pain syndrome, familial, 3. Identifiers: Orphanet 391384, Orphanet 391392, MedGen C3809899, MONDO:0014247, OMIM 615552.

gnomAD v4.1: 1 of 1,613,064 alleles (0.000062%); highest among the groups gnomAD compares: Non-Finnish European, 0.000085%; no homozygotes.

Submission:

Labcorp Genetics (formerly Invitae), Labcorp
Classification: Uncertain significance for Familial episodic pain syndrome with predominantly lower limb involvement; Hereditary sensory and autonomic neuropathy type 7. Last evaluated: 2021-10-09. Review status: criteria provided, single submitter. Criteria: Invitae Variant Classification Sherloc (09022015). Collection method: clinical testing. Allele origin: germline.
Comment: Algorithms developed to predict the effect of sequence changes on RNA splicing suggest that this variant may create or strengthen a splice site. In summary, the available evidence is currently insufficient to determine the role of this variant in disease. Therefore, it has been classified as a Variant of Uncertain Significance. Algorithms developed to predict the effect of missense changes on protein structure and function are either unavailable or do not agree on the potential impact of this missense change (SIFT: "Deleterious"; PolyPhen-2: "Benign"; Align-GVGD: "Class C65"). This variant has not been reported in the literature in individuals affected with SCN11A-related conditions. This variant is not present in population databases (ExAC no frequency). This sequence change replaces glutamic acid with alanine at codon 971 of the SCN11A protein (p.Glu971Ala). The glutamic acid residue is highly conserved and there is a moderate physicochemical difference between glutamic acid and alanine.

NM_001349253.2(SCN11A):c.2912A>C (p.Glu971Ala)

Gene: SCN11A (sodium voltage-gated channel alpha subunit 11; minus strand). Cytogenetic location: 3p22.2.
Variant type: single nucleotide variant.
Coding change: c.2912A>C on transcript NM_001349253.2 (MANE Select); coding-DNA position 2912, A replaced by C.
Protein change: p.Glu971Ala; replaces glutamic acid 971 with alanine.
Molecular consequence: missense variant.
Genome position (GRCh38, 1-based): chr3:38,886,162, T>G on the plus strand (A>C on the coding strand, the complement: SCN11A is on the minus strand). VCF-style: chr3-38886162-T-G. GRCh37 (hg19) VCF-style: chr3-38927653-T-G.
Other names: c.2912A>C, p.Glu971Ala (NM_014139.3); short protein forms E971A.
Identifiers: ClinVar variation 652101 (VCV000652101.5), dbSNP rs1575246793, ClinGen allele CA352174093.